The following is an entry in ClinVar:

ClinVar aggregate classification (germline): Pathogenic (1 of 4 stars; one submission).

Conditions:
Myofibrillar myopathy 5. Also called: Filaminopathy (type); FILAMINOPATHY, AUTOSOMAL DOMINANT. Identifiers: Orphanet 171445, MedGen C1836050, MONDO:0012289, OMIM 609524.
Hypertrophic cardiomyopathy 26. Also called: Cardiomyopathy, familial hypertrophic, 26. Identifiers: Orphanet 75249, MedGen C4310749, MONDO:0014883, OMIM 617047.
Distal myopathy with posterior leg and anterior hand involvement. Also called: WILLIAMS DISTAL MYOPATHY. Identifiers: Orphanet 63273, MedGen C3279722, MONDO:0013550, OMIM 614065.

Submission:

Labcorp Genetics (formerly Invitae), Labcorp
Classification: Pathogenic for Distal myopathy with posterior leg and anterior hand involvement; Myofibrillar myopathy 5; Hypertrophic cardiomyopathy 26. Last evaluated: 2023-09-10. Review status: criteria provided, single submitter. Criteria: Invitae Variant Classification Sherloc (09022015). Collection method: clinical testing. Allele origin: germline.
Comment: This variant has not been reported in the literature in individuals affected with FLNC-related conditions. This variant is not present in population databases (gnomAD no frequency). This sequence change creates a premature translational stop signal (p.Pro1358Glnfs*28) in the FLNC gene. It is expected to result in an absent or disrupted protein product. Loss-of-function variants in FLNC are known to be pathogenic (PMID: 27908349). For these reasons, this variant has been classified as Pathogenic.

Literature cited by the submitters: PubMed 27908349.

NM_001458.5(FLNC):c.4071del (p.Pro1358fs)

Gene: FLNC (filamin C; plus strand). Cytogenetic location: 7q32.1.
Variant type: Deletion.
Coding change: c.4071del on transcript NM_001458.5 (MANE Select); coding-DNA position 4071, one base deleted (G; older notation c.4071delG).
Protein change: p.Pro1358fs; shifts the reading frame from proline 1358.
Molecular consequence: frameshift variant.
Genome position (GRCh38, 1-based): chr7:128,846,407, G deleted; the last of 3 consecutive G bases (chr7:128,846,405-128,846,407); deleting any one gives the same sequence. VCF-style (leftmost placement, unchanged base first): chr7-128846404-CG-C. GRCh37 (hg19) VCF-style: chr7-128486458-CG-C.
Other names: c.4071del, p.Pro1358fs (NM_001127487.2); short protein forms P1358fs.
Identifiers: ClinVar variation 2945519 (VCV002945519.3), dbSNP rs2536642299, ClinGen allele CA2740094853.